The following is an entry in ClinVar:

NM_032608.7(MYO18B):c.872A>G (p.Asn291Ser)

Gene: MYO18B (myosin XVIIIB; plus strand). Cytogenetic location: 22q12.1.
Variant type: single nucleotide variant.
Coding change: c.872A>G on transcript NM_032608.7 (MANE Select); coding-DNA position 872, A replaced by G.
Protein change: p.Asn291Ser; replaces asparagine 291 with serine.
Molecular consequence: missense variant.
Genome position (GRCh38, 1-based): chr22:25,768,788, A>G. VCF-style: chr22-25768788-A-G. GRCh37 (hg19) VCF-style: chr22-26164755-A-G.
Other names: c.872A>G, p.Asn291Ser (NM_001318245.2); short protein forms N291S.
Identifiers: ClinVar variation 2087023 (VCV002087023.4), dbSNP rs2517657428, ClinGen allele CA411003635.

ClinVar aggregate classification (germline): Uncertain significance (1 of 4 stars; one submission).

Submission:

Labcorp Genetics (formerly Invitae), Labcorp
Classification: Uncertain significance. Last evaluated: 2022-07-06. Review status: criteria provided, single submitter. Criteria: Invitae Variant Classification Sherloc (09022015). Collection method: clinical testing. Allele origin: germline.
Comment: In summary, the available evidence is currently insufficient to determine the role of this variant in disease. Therefore, it has been classified as a Variant of Uncertain Significance. Algorithms developed to predict the effect of missense changes on protein structure and function output the following: SIFT: "Not Available"; PolyPhen-2: "Benign"; Align-GVGD: "Not Available". The serine amino acid residue is found in multiple mammalian species, which suggests that this missense change does not adversely affect protein function. This variant has not been reported in the literature in individuals affected with MYO18B-related conditions. This variant is not present in population databases (gnomAD no frequency). This sequence change replaces asparagine, which is neutral and polar, with serine, which is neutral and polar, at codon 291 of the MYO18B protein (p.Asn291Ser).